The following is an entry in ClinVar:

ClinVar aggregate classification (germline): Benign/Likely benign. Review status: criteria provided, multiple submitters, no conflicts (2 of 4 stars). 6 submissions from 6 submitters: Benign (3); Likely benign (1). 2 of the submissions do not count toward it. Last evaluated 2026-01-28.

Conditions:
Bethlem myopathy 1A. Also called: Bethlem myopathy 1; Bethlem Muscular Dystrophy; MYOPATHY, BENIGN CONGENITAL, WITH CONTRACTURES. Identifiers: Orphanet 610, MedGen CN029274, MONDO:0024530, OMIM 158810.

Allele frequency attached by ClinVar (database versions not stated): ExAC 0.00367; 1000 Genomes Project 0.00938; gnomAD exomes 0.00086 and 0.00287; TOPMed 0.01171; ESP Exome Variant Server 0.01284; 1000 Genomes Project 30x 0.01077; gnomAD 0.01165.
gnomAD v4.1: 2,909 of 1,609,338 alleles (0.18%); highest among the groups gnomAD compares: African/African-American, 3.5%; 42 homozygotes.

Submissions (6):

Labcorp Genetics (formerly Invitae), Labcorp
Classification: Benign for Bethlem myopathy 1A. Last evaluated: 2026-01-28. Review status: criteria provided, single submitter. Criteria: Invitae Variant Classification Sherloc (09022015). Collection method: clinical testing. Allele origin: germline.

GeneDx
Classification: Benign. Last evaluated: 2016-08-02. Review status: criteria provided, single submitter. Criteria: GeneDx Variant Classification (06012015). Collection method: clinical testing. Allele origin: germline. Affected: yes.
Comment: This variant is considered likely benign or benign based on one or more of the following criteria: it is a conservative change, it occurs at a poorly conserved position in the protein, it is predicted to be benign by multiple in silico algorithms, and/or has population frequency not consistent with disease.

Eurofins Ntd Llc (ga)
Classification: Benign. Last evaluated: 2012-08-28. Review status: criteria provided, single submitter. Criteria: EGL Classification Definitions 2015. Collection method: clinical testing. Allele origin: germline. Observed: 1 variant allele, 1 heterozygote.

PreventionGenetics, part of Exact Sciences
Classification: Likely benign. Review status: criteria provided, single submitter. Criteria: ACMG Guidelines, 2015. Collection method: clinical testing. Allele origin: germline.

Clinical Genetics, Academic Medical Center
Classification: Benign. Review status: no assertion criteria provided. Collection method: clinical testing. Allele origin: germline. Affected: yes. Study: VKGL Data-share Consensus. Not counted in ClinVar's aggregate classification.

Laboratory of Diagnostic Genome Analysis, Leiden University Medical Center (LUMC)
Classification: Likely benign. Review status: no assertion criteria provided. Collection method: clinical testing. Allele origin: germline. Affected: yes. Study: VKGL Data-share Consensus. Not counted in ClinVar's aggregate classification.

NM_001848.3(COL6A1):c.958-17G>A

Gene: COL6A1 (collagen type VI alpha 1 chain; plus strand). Cytogenetic location: 21q22.3.
Variant type: single nucleotide variant.
Coding change: c.958-17G>A on transcript NM_001848.3 (MANE Select); 17 bases into the intron before coding-DNA position 958, G replaced by A.
Molecular consequence: intron variant.
Genome position (GRCh38, 1-based): chr21:45,990,361, G>A. VCF-style: chr21-45990361-G-A. GRCh37 (hg19) VCF-style: chr21-47410275-G-A.
Identifiers: ClinVar variation 93898 (VCV000093898.15), dbSNP rs79364611, ClinGen allele CA147422.